The following is an entry in ClinVar:

NM_003126.4(SPTA1):c.2386C>T (p.Gln796Ter)

Gene: SPTA1 (spectrin alpha, erythrocytic 1; minus strand). Cytogenetic location: 1q23.1.
Variant type: single nucleotide variant.
Coding change: c.2386C>T on transcript NM_003126.4 (MANE Select); coding-DNA position 2386, C replaced by T.
Protein change: p.Gln796Ter; replaces glutamine 796 with a stop codon.
Molecular consequence: nonsense.
Genome position (GRCh38, 1-based): chr1:158,662,780, G>A on the plus strand (C>T on the coding strand, the complement: SPTA1 is on the minus strand). VCF-style: chr1-158662780-G-A. GRCh37 (hg19) VCF-style: chr1-158632570-G-A.
Other names: short protein forms Q796*.
Identifiers: ClinVar variation 1163658 (VCV001163658.5), dbSNP rs2101892539, ClinGen allele CA343002506.

ClinVar aggregate classification (germline): Likely pathogenic (1 of 4 stars; one submission).

Submission:

Mayo Clinic Laboratories, Mayo Clinic
Classification: Likely pathogenic. Last evaluated: 2020-12-31. Review status: criteria provided, single submitter. Criteria: ACMG Guidelines, 2015. Collection method: clinical testing. Allele origin: germline. Observed: 1 variant allele.
Comment: PVS1, PM2

Literature cited by the submitters: PubMed 31723846; PubMed 31038472.